The following continues an entry in ClinVar:

NM_024675.4(PALB2):c.110G>A (p.Arg37His)

Gene: PALB2. ClinVar aggregate classification (germline): Conflicting classifications of pathogenicity. Uncertain significance (12); Likely benign (1).

Submissions 5 to 15 of 15:

Women's Health and Genetics/Laboratory Corporation of America, LabCorp
Classification: Uncertain significance. Last evaluated: 2025-09-04. Review status: criteria provided, single submitter. Criteria: LabCorp Variant Classification Summary - May 2015. Collection method: clinical testing. Allele origin: germline.
Comment: Variant summary: PALB2 c.110G>A (p.Arg37His) results in a non-conservative amino acid change in the encoded protein sequence. Algorithms developed to predict the effect of missense changes on protein structure and function are either unavailable or do not agree on the potential impact of this missense change. The variant is also located at the second exonic base from a canonical 3' splice acceptor site. 5/5 computational tools predict no significant impact on normal splicing, which is supported by a functional study (Blanco_2013). The variant allele was found at a frequency of 4e-05 in 251458 control chromosomes. This frequency is not significantly higher than expected for a pathogenic variant in PALB2 causing Hereditary Breast and Ovarian Cancer (4e-05 vs 0.00016), allowing no conclusion about variant significance. c.110G>A has been reported in the literature in sequencing studies of individuals from BRCA families with at-least once case of pancreatic cancer (Blanco_2013); Head and Neck Squamous Cell Carcinoma (HNSCC) (Chandrashekarappa_2017); colorectal cancer (Pearlman_2016); and unilateral breast cancer (Tischkowitz_2012). A systematic review summarizing the earlier reports indicated this variant as not having co-segregated with disease along with a predicted pathogenicity assignment of VUS (Zhan_2018). Therefore, these report(s) do not provide unequivocal conclusions about association of the variant with Hereditary Breast and Ovarian Cancer. Several publications report conflicting experimental evidence evaluating an impact on the various protein functions examined. While the most pronounced variant effect results in 30%-50% of normal activity in HDR assays (Rodrigue_2019 and Boonen_2019), conflicting results resulting in 50-90% of normal activity in HDR assays have also been reported (Foo_2017 and Wiltshire_2019). The results from the ability of this variant to recruit PALB2 to DNA damage sites report conflicting findings ranging from no effect (Foo_2017, Rodrigue_2019) versus an impaired effect (estimated at 54% of WT, Boonen_2019). Ability to form RAD51C foci also exhibited inter-assay variability ranging from no effect (Foo_2017) to a slightly compromised level estimated at 71% of WT (Rodrigue_2019). Lastly, moderate but statistically significant levels of sensitivity to PARP inhibitors such as Olaparib were reported in two studies (Rodrigue_2019 and Boonen_2019). In summary, an unequivocal correlation of these experimental reports to the in-vivo impact of this variant cannot be established from the findings reviewed. ClinVar contains an entry for this variant (Variation ID: 126590). Based on the evidence outlined above, the variant was classified as uncertain significance.

ARUP Laboratories, Molecular Genetics and Genomics, ARUP Laboratories
Classification: Uncertain significance. Last evaluated: 2025-06-26. Review status: criteria provided, single submitter. Criteria: ARUP Molecular Germline Variant Investigation Process 2024. Collection method: clinical testing. Allele origin: germline.
Comment: The PALB2 c.110G>A; p.Arg37His variant (rs202194596, ClinVar Variation ID: 126590) is reported in the literature in individuals affected with various cancers, including breast and/or ovarian cancer (Bhai 2021, Blanco 2013, Chandrasekharappa 2017, De Oliveira 2022, Momozawa 2020, Muhammad 2022, Ng 2022). This variant is found in the general population with an overall allele frequency of 0.004% (11/282,840 alleles) in the Genome Aggregation Database (v2.1.1). Computational analyses are uncertain whether this variant is neutral or deleterious (REVEL: 0.158). In vitro functional analyses demonstrate some reduction in homologous repair activity but studies are conflicting if activity levels remain at functional levels; additionally, studies show maintained PALB2-BRCA1 interactions but are conflicting on the impact to PARP sensitivity (Boonen 2019, Brnich 2021, Foo 2017, Ng 2022, Rodrigue 2019, Wiltshire 2020). Due to conflicting information, the clinical significance of this variant is uncertain at this time. References: Bhai P et al. Analysis of Sequence and Copy Number Variants in Canadian Patient Cohort With Familial Cancer Syndromes Using a Unique Next Generation Sequencing Based Approach. Front Genet. 2021 Jul 13;12:698595. PMID: 34326862. Blanco A et al. Analysis of PALB2 gene in BRCA1/BRCA2 negative Spanish hereditary breast/ovarian cancer families with pancreatic cancer cases. PLoS One. 2013 Jul 23;8(7):e67538. PMID: 23935836. Boonen RACM et al. Functional analysis of genetic variants in the high-risk breast cancer susceptibility gene PALB2. Nat Commun. 2019 Nov 22;10(1):5296. PMID: 31757951. Brnich SE et al. A Validated Functional Analysis of Partner and Localizer of BRCA2 Missense Variants for Use in Clinical Variant Interpretation. J Mol Diagn. 2021 Jul;23(7):847-864. PMID: 33964450. Chandrasekharappa SC et al. Assessing the spectrum of germline variation in Fanconi anemia genes among patients with head and neck carcinoma before age 50. Cancer. 2017 Oct 15;123(20):3943-3954. PMID: 28678401. de Oliveira JM et al. The genetics of hereditary cancer risk syndromes in Brazil: a comprehensive analysis of 1682 patients. Eur J Hum Genet. 2022 Jul;30(7):818-823. PMID: 35534704. Foo TK et al. Compromised BRCA1-PALB2 interaction is associated with breast cancer risk. Oncogene. 2017 Jul 20;36(29):4161-4170. PMID: 28319063. Momozawa Y et al. Germline Pathogenic Variants in 7636 Japanese Patients With Prostate Cancer and 12 366 Controls. J Natl Cancer Inst. 2020 Apr 1;112(4):369-376. PMID: 31214711. Muhammad N et al. Contribution of germline PALB2 variants to an unselected and prospectively registered pancreatic cancer patient cohort in Pakistan. HPB (Oxford). 2022 Dec;24(12):2134-2144. PMID: 36175305. Ng PS et al. Characterisation of protein-truncating and missense variants in PALB2 in 15 768 women from Malaysia and Singapore. J Med Genet. 2022 May;59(5):481-491. PMID: 33811135 Rodrigue A et al. A global functional analysis of missense mutations reveals two major hotspots in the PALB2 tumor suppressor. Nucleic Acids Res. 2019 Nov 18;47(20):10662-10677. PMID: 31586400. Wiltshire T et al. Functional characterization of 84 PALB2 variants of uncertain significance. Genet Med. 2020 Mar;22(3):622-632. PMID: 31636395.

Color Diagnostics, LLC DBA Color Health
Classification: Uncertain significance for Hereditary cancer-predisposing syndrome. Last evaluated: 2025-03-25. Review status: criteria provided, single submitter. Criteria: ACMG Guidelines, 2015. Collection method: clinical testing. Allele origin: germline.
Comment: This missense variant replaces arginine with histidine at codon 37 of the PALB2 protein. Computational prediction suggests that this variant may not impact protein structure and function. Functional studies of this variant have demonstrated moderate to low effects on homologous recombination, BRCA1-interaction, RAD51 foci formation, and PARP inhibitor sensitivity (PMID: 28319063, 31586400, 31636395, 31757951, 33195396, 33811135). This variant has been reported in individuals affected with breast, pancreatic, prostate, colorectal and head and neck cancer in the literature (PMID: 22241545, 23935836, 27978560, 28678401, 28779002, 31214711, 33309985, 33471991, 33811135, 36175305). This variant also has been detected in a breast cancer case-control meta-analysis in 5/60466 cases and 2/53461 unaffected individuals (PMID: 33471991; Leiden Open Variation Database DB-ID PALB2_010020). This variant has been identified in 11/282840 chromosomes in the general population by the Genome Aggregation Database (gnomAD). The available evidence is insufficient to determine the role of this variant in disease conclusively. Therefore, this variant is classified as a Variant of Uncertain Significance.

Molecular Diagnostics Laboratory, Catalan Institute of Oncology
Classification: Uncertain significance for Hereditary cancer-predisposing syndrome. Last evaluated: 2024-12-08. Review status: criteria provided, single submitter. Criteria: ClinGen ACMG Specifications PALB2 V1.0.0. Collection method: clinical testing. Allele origin: germline.
Comment: BP1 c.110G>A, located in exon 3 of the PALB2 gene, is predicted to result in the substitution of arginine by histidine at codon 37, p.(Arg37His). The SpliceAI algorithm predicts no significant impact on splicing and there is a very low likelihood that missense variants are pathogenic in PALB2 (BP1). This variant is found in 3/19250 with a filtering allele frequency of 0.004% (at 95% confidence) in the gnomAD v2.1.1 database (East-Asian non-cancer data set). The variant has been reported in the ClinVar (12x uncertain significance, 1x likely benign) and the LOVD (4x uncertain significance, 4x not classified) databases. Functional studies have been reported for this variant (PMID: 31586400, PMID: 31636395, PMID: 31757951); however, following ClinGen VCEP recommendation, this information cannot be used for variant classification because functional studies have not been validated for PALB2 gene. Based on the currently available information, c.110G>A is classified as an uncertain significance variant according to ClinGen-PALB2 Guidelines version v1.0.0.

Baylor Genetics
Classification: Uncertain significance for Familial cancer of breast. Last evaluated: 2024-03-15. Review status: criteria provided, single submitter. Criteria: ACMG Guidelines, 2015. Collection method: clinical testing. Allele origin: unknown.

GeneDx
Classification: Uncertain significance. Last evaluated: 2023-07-25. Review status: criteria provided, single submitter. Criteria: GeneDx Variant Classification Process June 2021. Collection method: clinical testing. Allele origin: germline. Affected: yes.
Comment: In silico analysis supports that this missense variant has a deleterious effect on protein structure/function; Observed in individuals with a personal or family history including breast, colorectal, pancreatic, and other cancers (Tischkowitz et al., 2012; Blanco et al., 2013; Decker et al., 2017; Pearlman et al., 2017); This variant is associated with the following publications: (PMID: 27978560, 23935836, 22241545, 28319063, 25428177, 28678401, 28779002, 31757951, 31586400, 31636395, 32209438, 32185139, 33195396, 33169439, 33811135, 33964450, 33139182, 19369211, 20871615)

Myriad Genetics, Inc.
Classification: Likely benign for Familial cancer of breast. Last evaluated: 2023-04-03. Review status: criteria provided, single submitter. Criteria: Myriad Autosomal Dominant, Autosomal Recessive and X-Linked Classification Criteria (2023). Collection method: clinical testing. Allele origin: unknown.
Comment: This variant is considered likely benign. This variant is strongly associated with less severe personal and family histories of cancer, typical for individuals without pathogenic variants in this gene [PMID: 25085752].

Fulgent Genetics
Classification: Uncertain significance for Familial cancer of breast; Fanconi anemia complementation group N; Pancreatic cancer, susceptibility to, 3. Last evaluated: 2021-12-28. Review status: criteria provided, single submitter. Criteria: ACMG Guidelines, 2015. Collection method: clinical testing. Allele origin: unknown.

Mendelics
Classification: Uncertain significance for Hereditary cancer-predisposing syndrome. Last evaluated: 2018-07-02. Review status: criteria provided, single submitter. Criteria: Mendelics Assertion Criteria 2017. Collection method: clinical testing. Allele origin: unknown.

Leiden Open Variation Database
Classification: Uncertain significance. Last evaluated: 2019-05-13. Review status: no assertion criteria provided. Collection method: curation. Allele origin: germline. Affected: yes. Not counted in ClinVar's aggregate classification.
Comment: Curators: Marc Tischkowitz, Arleen D. Auerbach. Submitters to LOVD: Marc Tischkowitz, Melissa DeRycke.

Counsyl
Classification: Uncertain significance for Familial cancer of breast. Last evaluated: 2016-04-20. Review status: no assertion criteria provided. Collection method: clinical testing. Allele origin: unknown. Not counted in ClinVar's aggregate classification.

Literature cited by the submitters: PubMed 22241545 (cited by 7 submitters); PubMed 23934836 (cited by Labcorp Genetics (formerly Invitae), Labcorp); PubMed 23935836 (cited by 7 submitters); PubMed 27978560 (cited by 4 submitters); PubMed 28779002 (cited by 4 submitters); PubMed 31214711 (cited by 3 submitters); PubMed 33309985 (cited by 3 submitters); PubMed 36175305 (cited by 4 submitters); PubMed 28319063 (cited by 5 submitters); PubMed 31586400 (cited by 5 submitters); PubMed 31636395 (cited by 5 submitters); PubMed 31757951 (cited by 5 submitters); PubMed 33139182 (cited by Labcorp Genetics (formerly Invitae), Labcorp); PubMed 33195396 (cited by Labcorp Genetics (formerly Invitae), Labcorp and Color Diagnostics, LLC DBA Color Health); PubMed 33811135 (cited by Quest Diagnostics Nichols Institute San Juan Capistrano and Color Diagnostics, LLC DBA Color Health); PubMed 33471991 (cited by Quest Diagnostics Nichols Institute San Juan Capistrano and Color Diagnostics, LLC DBA Color Health); PubMed 28678401 (cited by 4 submitters); PubMed 33964450 (cited by Quest Diagnostics Nichols Institute San Juan Capistrano); PubMed 32720237 (cited by Quest Diagnostics Nichols Institute San Juan Capistrano); PubMed 32546565 (cited by Quest Diagnostics Nichols Institute San Juan Capistrano); PubMed 32832836 (cited by Quest Diagnostics Nichols Institute San Juan Capistrano); PubMed 30113427 (cited by Women's Health and Genetics/Laboratory Corporation of America, LabCorp); PubMed 25085752 (cited by Myriad Genetics, Inc.).